The following is an entry in ClinVar:

ClinVar aggregate classification (germline): Uncertain significance. Review status: criteria provided, multiple submitters, no conflicts (2 of 4 stars). 3 submissions from 3 submitters: Uncertain significance (3). Last evaluated 2025-11-19.

Conditions:
Familial adenomatous polyposis 1 (FAP1). Also called: FAMILIAL ADENOMATOUS POLYPOSIS 1, ATTENUATED; POLYPOSIS, ADENOMATOUS INTESTINAL. Identifiers: MedGen C2713442, MONDO:0021056, OMIM 175100. Disease mechanism: loss of function.
Hepatocellular carcinoma (HCC). Also called: Primary carcinoma of liver; HEPATOMA; LIVER CELL CARCINOMA. Identifiers: Orphanet 88673, MedGen C2239176, MONDO:0007256, OMIM 114550, HP:0001402.
Desmoid disease, hereditary (DESMD). Also called: FIBROMATOSIS, FAMILIAL INFILTRATIVE. Identifiers: Orphanet 873, MedGen C1851124, OMIM 135290. Disease mechanism: loss of function.
Gastric cancer. Also called: Malignant tumor of stomach; Stomach cancer. Identifiers: MedGen C0024623, MeSH D013274, MONDO:0001056, OMIM 613659, HP:0012126.
Colorectal cancer. Also called: Colorectal cancer, somatic; Malignant Colorectal Neoplasm. Identifiers: MedGen C0346629, MONDO:0005575, OMIM 114500.
Gastric adenocarcinoma and proximal polyposis of the stomach (GAPPS). Also called: Gastric Adenocarcinoma and Proximal Polyposis of the Stomach (GAPPS); Polyposis, gastric, Dos Santos and de Magalhaes 1980; POLYPOSIS, GASTRIC. Identifiers: Orphanet 314022, MedGen C4749917, MONDO:0017790, OMIM 619182.
Hereditary cancer-predisposing syndrome. Also called: Tumor predisposition; Neoplastic Syndromes, Hereditary; Hereditary Cancer Syndrome; Hereditary neoplastic syndrome. Identifiers: Orphanet 140162, MedGen C0027672, MeSH D009386, MONDO:0015356.

Allele frequency attached by ClinVar (database versions not stated): gnomAD exomes below 0.00001.
gnomAD v4.1: 1 of 1,613,924 alleles (0.000062%); highest among the groups gnomAD compares: Non-Finnish European, 0.000085%; no homozygotes.

Submissions (3):

Ambry Genetics
Classification: Uncertain significance for Hereditary cancer-predisposing syndrome. Last evaluated: 2025-11-19. Review status: criteria provided, single submitter. Criteria: Ambry Variant Classification Scheme 2023. Collection method: clinical testing. Allele origin: germline.
Comment: The p.K2590T variant (also known as c.7769A>C), located in coding exon 15 of the APC gene, results from an A to C substitution at nucleotide position 7769. The lysine at codon 2590 is replaced by threonine, an amino acid with similar properties. This amino acid position is conserved. In addition, in silico predictors for this gene do not accurately predict pathogenicity. Based on the available evidence, the clinical significance of this variant remains unclear.

Fulgent Genetics
Classification: Uncertain significance for Colorectal cancer; Hepatocellular carcinoma; Desmoid disease, hereditary; Familial adenomatous polyposis 1; Gastric cancer; Gastric adenocarcinoma and proximal polyposis of the stomach. Last evaluated: 2024-01-23. Review status: criteria provided, single submitter. Criteria: ACMG Guidelines, 2015. Collection method: clinical testing. Allele origin: germline.

Labcorp Genetics (formerly Invitae), Labcorp
Classification: Uncertain significance for Familial adenomatous polyposis 1. Last evaluated: 2022-08-20. Review status: criteria provided, single submitter. Criteria: Invitae Variant Classification Sherloc (09022015). Collection method: clinical testing. Allele origin: germline.
Comment: In summary, the available evidence is currently insufficient to determine the role of this variant in disease. Therefore, it has been classified as a Variant of Uncertain Significance. Algorithms developed to predict the effect of missense changes on protein structure and function (SIFT, PolyPhen-2, Align-GVGD) all suggest that this variant is likely to be tolerated. This variant has not been reported in the literature in individuals affected with APC-related conditions. This variant is not present in population databases (gnomAD no frequency). This sequence change replaces lysine, which is basic and polar, with threonine, which is neutral and polar, at codon 2590 of the APC protein (p.Lys2590Thr).

NM_000038.6(APC):c.7769A>C (p.Lys2590Thr)

Gene: APC (APC regulator of Wnt signaling pathway; plus strand). Cytogenetic location: 5q22.2.
Variant type: single nucleotide variant.
Coding change: c.7769A>C on transcript NM_000038.6 (MANE Select); coding-DNA position 7769, A replaced by C.
Protein change: p.Lys2590Thr; replaces lysine 2590 with threonine.
Molecular consequence: missense variant.
Genome position (GRCh38, 1-based): chr5:112,843,363, A>C. VCF-style: chr5-112843363-A-C. GRCh37 (hg19) VCF-style: chr5-112179060-A-C.
Other names: c.7769A>C, p.Lys2590Thr (NM_001127510.3, NM_001354895.2, NM_001407450.1); c.7715A>C, p.Lys2572Thr (NM_001127511.3); c.7823A>C, p.Lys2608Thr (NM_001354896.2, NM_001407447.1, NM_001407448.1 and 1 more transcripts); c.7799A>C, p.Lys2600Thr (NM_001354897.2); c.7694A>C, p.Lys2565Thr (NM_001354898.2); c.7685A>C, p.Lys2562Thr (NM_001354899.2); c.7646A>C, p.Lys2549Thr (NM_001354900.2); c.7592A>C, p.Lys2531Thr (NM_001354901.2, NM_001407453.1); and 12 more; short protein forms K2206T, K2307T, K2430T, K2461T, K2464T, K2489T, K2499T, K2507T.
Identifiers: ClinVar variation 1717028 (VCV001717028.7), dbSNP rs2149993446, ClinGen allele CA16038207.
Genomic context (GRCh38, chr5:112,843,363, plus strand): 5'-CATCTTCAATTCTTTCTGCTTCATCAGAATCCAGTGAAAAAGCAAAAAGTGAGGATGAAA[A>C]ACATGTGAACTCTATTTCAGGAACCAAACAAAGTAAAGAAAACCAAGTATCCGCAAAAGG-3'
Protein context (NP_000029.2, residues 2580-2600): SSEKAKSEDE[Lys2590Thr]HVNSISGTKQ